The following is an entry in ClinVar:

NM_018249.6(CDK5RAP2):c.5227C>T (p.Gln1743Ter)

Gene: CDK5RAP2 (CDK5 regulatory subunit associated protein 2; minus strand). Cytogenetic location: 9q33.2.
Variant type: single nucleotide variant.
Coding change: c.5227C>T on transcript NM_018249.6 (MANE Select); coding-DNA position 5227, C replaced by T.
Protein change: p.Gln1743Ter; replaces glutamine 1743 with a stop codon.
Molecular consequence: nonsense. On other transcripts: non-coding transcript variant (5).
Genome position (GRCh38, 1-based): chr9:120,402,886, G>A on the plus strand (C>T on the coding strand, the complement: CDK5RAP2 is on the minus strand). VCF-style: chr9-120402886-G-A. GRCh37 (hg19) VCF-style: chr9-123165164-G-A.
Other names: c.4990C>T, p.Gln1664Ter (NM_001011649.3); c.4537C>T, p.Gln1513Ter (NM_001272039.2); short protein forms Q1743*, Q1513*, Q1664*.
Identifiers: ClinVar variation 158157 (VCV000158157.8), dbSNP rs587783392, ClinGen allele CA271230.

ClinVar aggregate classification (germline): Pathogenic. Review status: criteria provided, multiple submitters, no conflicts (2 of 4 stars). 2 submissions from 2 submitters: Pathogenic (2). Last evaluated 2024-03-16.

Conditions:
Microcephaly 3, primary, autosomal recessive. Identifiers: Orphanet 2512, MedGen C1858108, MONDO:0011488, OMIM 604804.

Allele frequency attached by ClinVar (database versions not stated): gnomAD exomes below 0.00001 and 0.00001; TOPMed below 0.00001; gnomAD 0.00001; ExAC 0.00002.
gnomAD v4.1: 4 of 1,614,012 alleles (0.00025%); highest among the groups gnomAD compares: Admixed American, 0.0033%; no homozygotes.

Submissions (2):

Labcorp Genetics (formerly Invitae), Labcorp
Classification: Pathogenic. Last evaluated: 2024-03-16. Review status: criteria provided, single submitter. Criteria: Invitae Variant Classification Sherloc (09022015). Collection method: clinical testing. Allele origin: germline.
Comment: This sequence change creates a premature translational stop signal (p.Gln1743*) in the CDK5RAP2 gene. It is expected to result in an absent or disrupted protein product. Loss-of-function variants in CDK5RAP2 are known to be pathogenic (PMID: 15793586, 20460369, 26436113). This variant is present in population databases (rs587783392, gnomAD 0.01%). This premature translational stop signal has been observed in individual(s) with CDK5RAP2-related conditions (PMID: 25899944). ClinVar contains an entry for this variant (Variation ID: 158157). For these reasons, this variant has been classified as Pathogenic.

Genetic Services Laboratory, University of Chicago
Classification: Pathogenic for Microcephaly 3, primary, autosomal recessive. Last evaluated: 2013-03-06. Review status: criteria provided, single submitter. Criteria: ACMG Guidelines, 2007. Collection method: clinical testing. Allele origin: germline. Inheritance: Autosomal recessive inheritance. Affected: yes.

Literature cited by the submitters: PubMed 15793586 (cited by Labcorp Genetics (formerly Invitae), Labcorp); PubMed 20460369 (cited by Labcorp Genetics (formerly Invitae), Labcorp); PubMed 26436113 (cited by Labcorp Genetics (formerly Invitae), Labcorp); PubMed 25899944 (cited by Labcorp Genetics (formerly Invitae), Labcorp).